The following is an entry in ClinVar:

NM_004999.4(MYO6):c.1485_1486insGA (p.Tyr496fs)

Gene: MYO6 (myosin VI; plus strand). Cytogenetic location: 6q14.1.
Variant type: Insertion.
Coding change: c.1485_1486insGA on transcript NM_004999.4 (MANE Select); coding-DNA positions 1485 to 1486, GA inserted.
Protein change: p.Tyr496fs; shifts the reading frame from tyrosine 496.
Molecular consequence: frameshift variant. On other transcripts: non-coding transcript variant (1).
Genome position: GRCh38 VCF-style: chr6-75861034-C-CGA. GRCh37 (hg19) VCF-style: chr6-76570751-C-CGA.
Other names: c.1485_1486insGA, p.Tyr496fs (NM_001300899.2, NM_001368136.1, NM_001368137.1 and 2 more transcripts); c.1470_1471insGA, p.Tyr491fs (NM_001368138.1); short protein forms Y491fs, Y496fs.
Identifiers: ClinVar variation 4852827 (VCV004852827.1).

ClinVar aggregate classification (germline): Likely pathogenic (1 of 4 stars; one submission).

Conditions:
Autosomal dominant nonsyndromic hearing loss 22. Also called: DFNA 22; Autosomal dominant nonsyndromic deafness 22. Identifiers: Orphanet 228012, MedGen C2931767, MONDO:0011660, OMIM 606346.

Submission:

Laboratory of Molecular, Cellular and Translation Genetics in Otolaryngology/ Lim32-hcfmusp, University of Sao Paulo School of Medicine Clinics Hospital
Classification: Likely pathogenic for Autosomal dominant nonsyndromic hearing loss 22. Last evaluated: 2026-04-30. Review status: criteria provided, single submitter. Criteria: ClinGen HL ACMG Specifications v1. Collection method: research. Allele origin: germline. Affected: yes.
Comment: NM_004999.4:c.1485_1486insGA:p.(Tyr496Aspfs*7). This variant has been classified as likely pathogenic. It is absent from population databases (PM2) and represents a frameshift (loss-of-function) variant in MYO6, a gene in which loss of function is an established disease mechanism (PVS1). Several metrics support a potential dosage effect of MYO6, including a DECIPHER HI score of 7.36 and moderate evidence of loss-of-function constraint (o/e LOF upper bound). In contrast, the pLI score suggests tolerance, highlighting some uncertainty regarding dosage sensitivity in this gene. Similar loss-of-function variants have been previously reported in association with autosomal dominant hearing loss (PMID: 29044474; PMID: 18348273; ClinVar VCV001679197.1, VCV001707543.1, VCV000813826.1), supporting its clinical relevance. Overall, these findings support the classification of this variant as likely pathogenic. However, given its novelty, the precise contribution of this variant to the phenotype should be interpreted with caution.

Literature cited by the submitters: PubMed 42233699.